The following is an entry in ClinVar:

NM_017777.4(MKS1):c.823G>A (p.Glu275Lys)

Gene: MKS1 (MKS transition zone complex subunit 1; minus strand). Cytogenetic location: 17q22.
Variant type: single nucleotide variant.
Coding change: c.823G>A on transcript NM_017777.4 (MANE Select); coding-DNA position 823, G replaced by A.
Protein change: p.Glu275Lys; replaces glutamic acid 275 with lysine.
Molecular consequence: missense variant.
Genome position (GRCh38, 1-based): chr17:58,213,017, C>T on the plus strand (G>A on the coding strand, the complement: MKS1 is on the minus strand). VCF-style: chr17-58213017-C-T. GRCh37 (hg19) VCF-style: chr17-56290378-C-T.
Other names: c.214G>A, p.Glu72Lys (NM_001321268.2); c.823G>A, p.Glu275Lys (NM_001321269.2, NM_001330397.2, NM_001411113.1); short protein forms E275K, E72K.
Identifiers: ClinVar variation 2604783 (VCV002604783.3), dbSNP rs777103638, ClinGen allele CA8669398.

ClinVar aggregate classification (germline): Uncertain significance. Review status: criteria provided, single submitter (1 of 4 stars). 2 submissions from 2 submitters: Uncertain significance (1). 1 of the submissions does not count toward it. Last evaluated 2023-06-21.

Conditions:
Inborn genetic diseases. Identifiers: MedGen C0950123, MeSH D030342.
MKS1-related disorder. Also called: MKS1-related condition; MKS1-related disorders. Identifiers: MedGen CN239382.

Allele frequency attached by ClinVar (database versions not stated): TOPMed below 0.00001; gnomAD exomes 0.00001; ExAC 0.00002.
gnomAD v4.1: 5 of 1,614,192 alleles (0.00031%); highest among the groups gnomAD compares: Admixed American, 0.0017%; no homozygotes.

Submissions (2):

Ambry Genetics
Classification: Uncertain significance for Inborn genetic diseases. Last evaluated: 2023-06-21. Review status: criteria provided, single submitter. Criteria: Ambry Variant Classification Scheme 2023. Collection method: clinical testing. Allele origin: germline.

PreventionGenetics, part of Exact Sciences
Classification: Uncertain significance for MKS1-related condition. Last evaluated: 2024-08-09. Review status: no assertion criteria provided. Collection method: clinical testing. Allele origin: germline. Not counted in ClinVar's aggregate classification.
Comment: The MKS1 c.823G>A variant is predicted to result in the amino acid substitution p.Glu275Lys. To our knowledge, this variant has not been reported in the literature. This variant is reported in 0.0029% of alleles in individuals of Latino descent in gnomAD. At this time, the clinical significance of this variant is uncertain due to the absence of conclusive functional and genetic evidence.